The following is an entry in ClinVar:

ClinVar aggregate classification (germline): Uncertain significance (1 of 4 stars; one submission).

Conditions:
Breast-ovarian cancer, familial, susceptibility to, 4. Identifiers: Orphanet 145, MedGen C3280345, MONDO:0013669, OMIM 614291.

gnomAD v4.1: 1 of 1,612,502 alleles (0.000062%); highest among the groups gnomAD compares: Non-Finnish European, 0.000085%; no homozygotes.

Submission:

Labcorp Genetics (formerly Invitae), Labcorp
Classification: Uncertain significance for Breast-ovarian cancer, familial, susceptibility to, 4. Last evaluated: 2025-06-02. Review status: criteria provided, single submitter. Criteria: Invitae Variant Classification Sherloc (09022015). Collection method: clinical testing. Allele origin: germline.
Comment: This sequence change replaces serine, which is neutral and polar, with arginine, which is basic and polar, at codon 22 of the RAD51D protein (p.Ser22Arg). This variant is not present in population databases (gnomAD no frequency). This variant has not been reported in the literature in individuals affected with RAD51D-related conditions. An algorithm developed to predict the effect of missense changes on protein structure and function (PolyPhen-2) suggests that this variant is likely to be tolerated. In summary, the available evidence is currently insufficient to determine the role of this variant in disease. Therefore, it has been classified as a Variant of Uncertain Significance.

NM_002878.4(RAD51D):c.66C>A (p.Ser22Arg)

Genes: RAD51L3-RFFL (RAD51L3-RFFL readthrough; minus strand), RAD51D (RAD51 paralog D; minus strand). Cytogenetic location: 17q12.
Variant type: single nucleotide variant.
Coding change: c.66C>A on transcript NM_002878.4 (MANE Select); coding-DNA position 66, C replaced by A.
Protein change: p.Ser22Arg; replaces serine 22 with arginine.
Molecular consequence: missense variant. On other transcripts: non-coding transcript variant (2).
Genome position (GRCh38, 1-based): chr17:35,119,548, G>T on the plus strand (C>A on the coding strand, the complement: RAD51D is on the minus strand). VCF-style: chr17-35119548-G-T. GRCh37 (hg19) VCF-style: chr17-33446567-G-T.
Other names: c.66C>A, p.Ser22Arg (NM_001142571.2, NM_133629.3); short protein forms S22R.
Identifiers: ClinVar variation 4763703 (VCV004763703.1).